The following is an entry in ClinVar:

NM_005026.5(PIK3CD):c.1348G>A (p.Gly450Ser)

Genes: PIK3CD (phosphatidylinositol-4,5-bisphosphate 3-kinase catalytic subunit delta; plus strand), LOC126805612 (MED14-independent group 3 enhancer GRCh37_chr1:9778914-9780113; plus strand). Cytogenetic location: 1p36.22.
Variant type: single nucleotide variant.
Coding change: c.1348G>A on transcript NM_005026.5 (MANE Select); coding-DNA position 1348, G replaced by A.
Protein change: p.Gly450Ser; replaces glycine 450 with serine.
Molecular consequence: missense variant.
Genome position (GRCh38, 1-based): chr1:9,720,120, G>A. VCF-style: chr1-9720120-G-A. GRCh37 (hg19) VCF-style: chr1-9780178-G-A.
Other names: c.1348G>A, p.Gly450Ser (NM_001350234.2); c.1261G>A, p.Gly421Ser (NM_001350235.1); short protein forms G421S, G450S.
Identifiers: ClinVar variation 3652741 (VCV003652741.2).
Genomic context (GRCh38, chr1:9,720,120, plus strand): 5'-GTCCCAGAGATGCTGGTCACCCCTCTACAACTTCATCTGCCCCTGTGTTCAGATGAGAAG[G>A]GCGAGCTGCTGAACCCCACGGGCACTGTGCGCAGTAACCCCAACACGGATAGCGCCGCTG-3'
Protein context (NP_005017.3, residues 440-460): YMWPSVPDEK[Gly450Ser]ELLNPTGTVR

ClinVar aggregate classification (germline): Uncertain significance (1 of 4 stars; one submission).

Conditions:
Immunodeficiency 14 (IMD14A). Also called: IMMUNODEFICIENCY 14A WITH LYMPHOPROLIFERATION, AUTOSOMAL DOMINANT; p110-DELTA-ACTIVATING MUTATION CAUSING SENESCENT T CELLS, LYMPHADENOPATHY, AND IMMUNODEFICIENCY; ACTIVATED PI3K-DELTA SYNDROME 1; Activated PI3K Delta Syndrome Type 1 (APDS1). Identifiers: Orphanet 397596, Orphanet 693661, MedGen C5907821, MONDO:0014222, OMIM 615513.

gnomAD v4.1: 3 of 1,613,164 alleles (0.00019%); highest among the groups gnomAD compares: Non-Finnish European, 0.00025%; no homozygotes.

Submission:

Labcorp Genetics (formerly Invitae), Labcorp
Classification: Uncertain significance for Activated PI3K-delta syndrome. Last evaluated: 2024-05-08. Review status: criteria provided, single submitter. Criteria: Invitae Variant Classification Sherloc (09022015). Collection method: clinical testing. Allele origin: germline.
Comment: This sequence change replaces glycine, which is neutral and non-polar, with serine, which is neutral and polar, at codon 450 of the PIK3CD protein (p.Gly450Ser). This variant is not present in population databases (gnomAD no frequency). This variant has not been reported in the literature in individuals affected with PIK3CD-related conditions. Advanced modeling of protein sequence and biophysical properties (such as structural, functional, and spatial information, amino acid conservation, physicochemical variation, residue mobility, and thermodynamic stability) performed at Invitae indicates that this missense variant is not expected to disrupt PIK3CD protein function with a negative predictive value of 80%. In summary, the available evidence is currently insufficient to determine the role of this variant in disease. Therefore, it has been classified as a Variant of Uncertain Significance.